The following is an entry in ClinVar:

NM_001378414.1(HDAC4):c.394C>T (p.Arg132Trp)

Gene: HDAC4 (histone deacetylase 4; minus strand). Cytogenetic location: 2q37.3.
Variant type: single nucleotide variant.
Coding change: c.394C>T on transcript NM_001378414.1 (MANE Select); coding-DNA position 394, C replaced by T.
Protein change: p.Arg132Trp; replaces arginine 132 with tryptophan.
Molecular consequence: missense variant.
Genome position (GRCh38, 1-based): chr2:239,176,509, G>A on the plus strand (C>T on the coding strand, the complement: HDAC4 is on the minus strand). VCF-style: chr2-239176509-G-A. GRCh37 (hg19) VCF-style: chr2-240098205-G-A.
Other names: c.394C>T, p.Arg132Trp (NM_001378415.1, NM_001378416.1, NM_001378417.1 and 1 more transcripts); short protein forms R132W.
Identifiers: ClinVar variation 3857037 (VCV003857037.2).
Genomic context (GRCh38, chr2:239,176,509, plus strand): 5'-GCTTCTGCTCCCGGTGCTGCTTCTCCAGCTCCTGCTCCTGGCGGTGCCTCTCCAGCTTCC[G>A]CTGGTGTTCCAGCAGCTCCTGCTGGTGCTTCATGGCCAGCATCTCCTGTTGTTGCTGCAA-3'
Protein context (NP_001365343.1, residues 122-142): KHQQELLEHQ[Arg132Trp]KLERHRQEQE

ClinVar aggregate classification (germline): Uncertain significance. Review status: criteria provided, multiple submitters, no conflicts (2 of 4 stars). 2 submissions from 2 submitters: Uncertain significance (2). Last evaluated 2025-03-08.

Conditions:
Inborn genetic diseases. Identifiers: MedGen C0950123, MeSH D030342.
Neurodevelopmental disorder with central hypotonia and dysmorphic facies (NEDCHF). Identifiers: MedGen C5676944, MONDO:0859232, OMIM 619797.

gnomAD v4.1: 18 of 1,613,418 alleles (0.0011%); highest among the groups gnomAD compares: African/African-American, 0.004%; no homozygotes.

Submissions (2):

Ambry Genetics
Classification: Uncertain significance for Inborn genetic diseases. Last evaluated: 2025-03-08. Review status: criteria provided, single submitter. Criteria: Ambry Variant Classification Scheme 2023. Collection method: clinical testing. Allele origin: germline.

Laboratorio de Genetica e Diagnostico Molecular, Hospital Israelita Albert Einstein
Classification: Uncertain significance for Neurodevelopmental disorder with central hypotonia and dysmorphic facies. Last evaluated: 2024-01-11. Review status: criteria provided, single submitter. Criteria: ACMG Guidelines, 2015. Collection method: clinical testing. Allele origin: germline. Affected: yes.
Comment: ACMG classification criteria: PM2 supporting, BP4 supporting